The following is an entry in ClinVar:

NM_000195.5(HPS1):c.1940+1G>A

Gene: HPS1 (HPS1 biogenesis of lysosomal organelles complex 3 subunit 1; minus strand). Cytogenetic location: 10q24.2.
Variant type: single nucleotide variant.
Coding change: c.1940+1G>A on transcript NM_000195.5 (MANE Select); the canonical splice donor site of the intron after coding-DNA position 1940, G replaced by A.
Molecular consequence: splice donor variant.
Genome position (GRCh38, 1-based): chr10:98,418,174, C>T on the plus strand (G>A on the coding strand, the complement: HPS1 is on the minus strand). VCF-style: chr10-98418174-C-T. GRCh37 (hg19) VCF-style: chr10-100177931-C-T.
Other names: c.1940+1G>A (NM_000195.4, NM_001322476.2, NM_001322477.2); c.1571+1G>A (NM_001322483.2, NM_001322484.2); c.1679+1G>A (NM_001322480.2, NM_001322481.2); c.1841+1G>A (NM_001322478.2, NM_001322479.2); c.1472+1G>A (NM_001322485.2); c.1580+1G>A (NM_001322482.2); c.968+1G>A (NM_001322489.2, NM_001311345.2, NM_001322487.2).
Identifiers: ClinVar variation 2878143 (VCV002878143.4), dbSNP rs2538732612, ClinGen allele CA378042628.

ClinVar aggregate classification (germline): Pathogenic/Likely pathogenic. Review status: criteria provided, multiple submitters, no conflicts (2 of 4 stars). 2 submissions from 2 submitters: Pathogenic (1); Likely pathogenic (1). Last evaluated 2024-05-24.

Conditions:
Hermansky-Pudlak syndrome (HPS). Also called: ALBINISM WITH HEMORRHAGIC DIATHESIS AND PIGMENTED RETICULOENDOTHELIAL CELLS. Identifiers: Orphanet 79430, MedGen C0079504, MONDO:0019312.

Submissions (2):

Natera, Inc.
Classification: Likely pathogenic for Hermansky-Pudlak syndrome. Last evaluated: 2024-05-24. Review status: criteria provided, single submitter. Criteria: Natera Variant Classification Schema (03/2026). Collection method: clinical testing. Allele origin: germline.
Comment: The c.1940+1G>A variant in HPS1 is a canonical splice donor site variant predicted to affect pre-mRNA splicing, which may result in an abnormal transcript and altered protein product. This variant is expected to result in nonsense mediated decay, truncation, or a dysfunctional protein product. This variant is rare in the general population with a frequency below the threshold expected for the associated phenotype(s). Given the available evidence, this variant is classified as Likely Pathogenic.

Labcorp Genetics (formerly Invitae), Labcorp
Classification: Pathogenic. Last evaluated: 2023-02-08. Review status: criteria provided, single submitter. Criteria: Invitae Variant Classification Sherloc (09022015). Collection method: clinical testing. Allele origin: germline.
Comment: This variant is not present in population databases (gnomAD no frequency). This variant has not been reported in the literature in individuals affected with HPS1-related conditions. This sequence change affects a donor splice site in intron 19 of the HPS1 gene. While this variant is not anticipated to result in nonsense mediated decay, it likely alters RNA splicing and results in a disrupted protein product. Variants that disrupt the consensus splice site are a relatively common cause of aberrant splicing (PMID: 17576681, 9536098). Algorithms developed to predict the effect of sequence changes on RNA splicing suggest that this variant may disrupt the consensus splice site. This variant disrupts a region of the HPS1 protein in which other variant(s) (p.Gln686*) have been determined to be pathogenic (PMID: 26575419). This suggests that this is a clinically significant region of the protein, and that variants that disrupt it are likely to be disease-causing. For these reasons, this variant has been classified as Pathogenic.

Literature cited by the submitters: PubMed 17576681 (cited by Labcorp Genetics (formerly Invitae), Labcorp); PubMed 9536098 (cited by Labcorp Genetics (formerly Invitae), Labcorp); PubMed 26575419 (cited by Labcorp Genetics (formerly Invitae), Labcorp).